The following is an entry in ClinVar:

NM_018010.4(IFT57):c.1133del (p.Gln378fs)

Gene: IFT57 (intraflagellar transport 57; minus strand). Cytogenetic location: 3q13.12.
Variant type: Deletion.
Coding change: c.1133del on transcript NM_018010.4 (MANE Select); coding-DNA position 1133, one base deleted (A; older notation c.1133delA).
Protein change: p.Gln378fs; shifts the reading frame from glutamine 378.
Molecular consequence: frameshift variant.
Genome position (GRCh38, 1-based): chr3:108,162,634, T deleted on the plus strand (A on the coding strand, the reverse complement: IFT57 is on the minus strand). VCF-style (leftmost placement, unchanged base first): chr3-108162633-CT-C. GRCh37 (hg19) VCF-style: chr3-107881480-CT-C.
Other names: short protein forms Q378fs.
Identifiers: ClinVar variation 3604849 (VCV003604849.2).
Genomic context (GRCh38, chr3:108,162,633, plus strand): 5'-TTCCACAATGCCAATTCTAATGTCCATCTCTACAGTTTCTTGCTTCAGTTTTGTTAAGCT[CT>C]GTTTAATCTTCACCAAAGGAGCTGCAGAATGAAAATAACATGAAATAAAAATGTTCATTT-3'

ClinVar aggregate classification (germline): Uncertain significance (1 of 4 stars; one submission).

Submission:

Labcorp Genetics (formerly Invitae), Labcorp
Classification: Uncertain significance. Last evaluated: 2024-12-04. Review status: criteria provided, single submitter. Criteria: Invitae Variant Classification Sherloc (09022015). Collection method: clinical testing. Allele origin: germline.
Comment: This sequence change creates a premature translational stop signal (p.Gln378Argfs*3) in the IFT57 gene. While this is not anticipated to result in nonsense mediated decay, it is expected to disrupt the last 52 amino acid(s) of the IFT57 protein. This variant is not present in population databases (gnomAD no frequency). This variant has not been reported in the literature in individuals affected with IFT57-related conditions. In summary, the available evidence is currently insufficient to determine the role of this variant in disease. Therefore, it has been classified as a Variant of Uncertain Significance.